The following is an entry in ClinVar:

NM_003073.5(SMARCB1):c.629-277C>T

Gene: SMARCB1 (SWI/SNF related BAF chromatin remodeling complex subunit B1; plus strand). Cytogenetic location: 22q11.23.
Variant type: single nucleotide variant.
Coding change: c.629-277C>T on transcript NM_003073.5 (MANE Select); 277 bases into the intron before coding-DNA position 629, C replaced by T.
Molecular consequence: intron variant.
Genome position (GRCh38, 1-based): chr22:23,816,493, C>T. VCF-style: chr22-23816493-C-T. GRCh37 (hg19) VCF-style: chr22-24158680-C-T.
Other names: c.683-277C>T (NM_001362877.2); c.656-277C>T (NM_001317946.2); c.602-277C>T (NM_001007468.3).
Identifiers: ClinVar variation 684100 (VCV000684100.2), dbSNP rs35753558, ClinGen allele CA15997590.

ClinVar aggregate classification (germline): Benign. Review status: criteria provided, multiple submitters, no conflicts (2 of 4 stars). 2 submissions from 2 submitters: Benign (2). Last evaluated 2018-06-19.

Allele frequency attached by ClinVar (database versions not stated): gnomAD exomes 0.01143; gnomAD 0.05650 and 0.05945; TOPMed 0.06187; 1000 Genomes Project 0.06929; 1000 Genomes Project 30x 0.07589.

Submissions (2):

GeneDx
Classification: Benign. Last evaluated: 2018-06-19. Review status: criteria provided, single submitter. Criteria: GeneDx Variant Classification (06012015). Collection method: clinical testing. Allele origin: germline. Affected: yes.
Comment: This variant is considered likely benign or benign based on one or more of the following criteria: it is a conservative change, it occurs at a poorly conserved position in the protein, it is predicted to be benign by multiple in silico algorithms, and/or has population frequency not consistent with disease.

Breakthrough Genomics
Classification: Benign. Review status: criteria provided, single submitter. Criteria: ACMG Guidelines, 2015. Collection method: not provided. Allele origin: germline. Inheritance: Autosomal dominant inheritance. Affected: yes.